The following is an entry in ClinVar:

NM_003024.3(ITSN1):c.1222G>T (p.Glu408Ter)

Gene: ITSN1 (intersectin 1; plus strand). Cytogenetic location: 21q22.11.
Variant type: single nucleotide variant.
Coding change: c.1222G>T on transcript NM_003024.3 (MANE Select); coding-DNA position 1222, G replaced by T.
Protein change: p.Glu408Ter; replaces glutamic acid 408 with a stop codon.
Molecular consequence: nonsense.
Genome position (GRCh38, 1-based): chr21:33,772,240, G>T. VCF-style: chr21-33772240-G-T. GRCh37 (hg19) VCF-style: chr21-35144544-G-T.
Other names: c.1222G>T, p.Glu408Ter (NM_001001132.2, NM_001331008.2, NM_001331009.2 and 2 more transcripts); c.1111G>T, p.Glu371Ter (NM_001331012.2); short protein forms E408*, E371*.
Identifiers: ClinVar variation 560294 (VCV000560294.3), dbSNP rs1569146163, ClinGen allele CA410122358.

ClinVar aggregate classification (germline): Uncertain significance (1 of 4 stars; one submission).

Submission:

Geisinger Autism and Developmental Medicine Institute, Geisinger Health System
Classification: Uncertain significance. Last evaluated: 2017-06-26. Review status: criteria provided, single submitter. Criteria: ACMG Guidelines, 2015. Collection method: provider interpretation, clinical testing. Allele origin: unknown. Observed: 1 variant allele.
Comment: Inheritance of the variant is unknown, as a paternal sample is unavailable. At the time of the lab report, no known human disorders had been clearly associated with this gene. In humans, ITSN1 has been implicated in the pathogenesis of Down syndrome, Alzheimer disease, and other neurodegenerative disorders (Hunter et al., 2011; Tsyba et al., 2011). Literature also suggests ITSN1 variants may be associated with intellectual disability, epilepsy, schizophrenia, and multiple congenital anomalies (Fromer et al., 2014; van der Crabben et al., 2010; Yang et al., 2015; Farwell et al., 2017). The variant creates a premature truncation and is predicted to cause loss of normal protein function. It is absent from population databases.

Literature cited by the submitters: PubMed 21876463; PubMed 21145950; PubMed 24463507; PubMed 19679353; PubMed 25783631; PubMed 27513193.